The following is an entry in ClinVar:

NM_001282531.3(ADNP):c.3040A>C (p.Lys1014Gln)

Gene: ADNP (activity dependent neuroprotector homeobox; minus strand). Cytogenetic location: 20q13.13.
Variant type: single nucleotide variant.
Coding change: c.3040A>C on transcript NM_001282531.3 (MANE Select); coding-DNA position 3040, A replaced by C.
Protein change: p.Lys1014Gln; replaces lysine 1014 with glutamine.
Molecular consequence: missense variant.
Genome position (GRCh38, 1-based): chr20:50,891,674, T>G on the plus strand (A>C on the coding strand, the complement: ADNP is on the minus strand). VCF-style: chr20-50891674-T-G. GRCh37 (hg19) VCF-style: chr20-49508211-T-G.
Other names: c.3040A>C, p.Lys1014Gln (NM_001282532.2, NM_001347511.2, NM_015339.5 and 1 more transcripts); c.3040A>C (NM_015339.2); short protein forms K1014Q.
Identifiers: ClinVar variation 1334498 (VCV001334498.5), dbSNP rs2122736153, ClinGen allele CA408967231.

ClinVar aggregate classification (germline): Uncertain significance. Review status: criteria provided, multiple submitters, no conflicts (2 of 4 stars). 2 submissions from 2 submitters: Uncertain significance (2). Last evaluated 2026-02-13.

Allele frequency attached by ClinVar (database versions not stated): gnomAD exomes below 0.00001.
gnomAD v4.1: 1 of 1,614,226 alleles (0.000062%); highest among the groups gnomAD compares: Non-Finnish European, 0.000085%; no homozygotes.

Submissions (2):

GeneDx
Classification: Uncertain significance. Last evaluated: 2026-02-13. Review status: criteria provided, single submitter. Criteria: GeneDx Variant Classification Process June 2021. Collection method: clinical testing. Allele origin: germline.
Comment: Not observed at significant frequency in large population cohorts (gnomAD); In silico analysis suggests that this missense variant does not alter protein structure/function; Has not been previously published as pathogenic or benign to our knowledge

Greenwood Genetic Center Diagnostic Laboratories, Greenwood Genetic Center
Classification: Uncertain significance. Last evaluated: 2021-06-29. Review status: criteria provided, single submitter. Criteria: ACMG Guidelines, 2015. Collection method: clinical testing. Allele origin: germline. Affected: yes.
Comment: PM2